The following is an entry in ClinVar:

NM_025074.7(FRAS1):c.1319A>T (p.Asp440Val)

Gene: FRAS1 (Fraser extracellular matrix complex subunit 1; plus strand). Cytogenetic location: 4q21.21.
Variant type: single nucleotide variant.
Coding change: c.1319A>T on transcript NM_025074.7 (MANE Select); coding-DNA position 1319, A replaced by T.
Protein change: p.Asp440Val; replaces aspartic acid 440 with valine.
Molecular consequence: missense variant.
Genome position (GRCh38, 1-based): chr4:78,284,468, A>T. VCF-style: chr4-78284468-A-T. GRCh37 (hg19) VCF-style: chr4-79205622-A-T.
Other names: c.1319A>T, p.Asp440Val (NM_001166133.2); short protein forms D440V.
Identifiers: ClinVar variation 4686491 (VCV004686491.1).
Genomic context (GRCh38, chr4:78,284,468, plus strand): 5'-ATTGCCATCCAGATTGTTTGACATGCTCTCAGTCTCCAGACCACTGTGACCTCTGCCAAG[A>T]TCCTACCAAGTTACTGCAGAATGGATGGTGTGTGCACAGCTGTGGACTGGGTTTTTACCA-3'
Protein context (NP_079350.5, residues 430-450): QSPDHCDLCQ[Asp440Val]PTKLLQNGWC

ClinVar aggregate classification (germline): Uncertain significance (1 of 4 stars; one submission).

gnomAD v4.1: 16 of 1,613,816 alleles (0.00099%); highest among the groups gnomAD compares: Non-Finnish European, 0.0014%; no homozygotes.

Submission:

GeneDx
Classification: Uncertain significance. Last evaluated: 2025-07-16. Review status: criteria provided, single submitter. Criteria: GeneDx Variant Classification Process June 2021. Collection method: clinical testing. Allele origin: germline. Affected: yes.
Comment: Not observed at significant frequency in large population cohorts (gnomAD); In silico analysis supports that this missense variant has a deleterious effect on protein structure/function; Has not been previously published as pathogenic or benign to our knowledge